The following is an entry in ClinVar:

ClinVar aggregate classification (germline): Uncertain significance (1 of 4 stars; one submission).

Conditions:
Nephronophthisis. Also called: Juvenile Nephronophthisis. Identifiers: Orphanet 655, MedGen C0687120, MONDO:0019005, HP:0000090.

Submission:

Labcorp Genetics (formerly Invitae), Labcorp
Classification: Uncertain significance for Nephronophthisis. Last evaluated: 2022-08-16. Review status: criteria provided, single submitter. Criteria: Invitae Variant Classification Sherloc (09022015). Collection method: clinical testing. Allele origin: germline.
Comment: This sequence change replaces glutamic acid, which is acidic and polar, with lysine, which is basic and polar, at codon 1270 of the NPHP4 protein (p.Glu1270Lys). This variant is not present in population databases (gnomAD no frequency). This variant has not been reported in the literature in individuals affected with NPHP4-related conditions. Algorithms developed to predict the effect of missense changes on protein structure and function are either unavailable or do not agree on the potential impact of this missense change (SIFT: "Deleterious"; PolyPhen-2: "Probably Damaging"; Align-GVGD: "Class C0"). Algorithms developed to predict the effect of sequence changes on RNA splicing suggest that this variant may disrupt the consensus splice site. In summary, the available evidence is currently insufficient to determine the role of this variant in disease. Therefore, it has been classified as a Variant of Uncertain Significance.

NM_015102.5(NPHP4):c.3808G>A (p.Glu1270Lys)

Gene: NPHP4 (nephrocystin 4; minus strand). Cytogenetic location: 1p36.31.
Variant type: single nucleotide variant.
Coding change: c.3808G>A on transcript NM_015102.5 (MANE Select); coding-DNA position 3808, G replaced by A.
Protein change: p.Glu1270Lys; replaces glutamic acid 1270 with lysine.
Molecular consequence: missense variant. On other transcripts: non-coding transcript variant (1).
Genome position (GRCh38, 1-based): chr1:5,865,110, C>T on the plus strand (G>A on the coding strand, the complement: NPHP4 is on the minus strand). VCF-style: chr1-5865110-C-T. GRCh37 (hg19) VCF-style: chr1-5925170-C-T.
Other names: c.2269G>A, p.Glu757Lys (NM_001291593.2); c.2272G>A, p.Glu758Lys (NM_001291594.2); short protein forms E1270K, E757K, E758K.
Identifiers: ClinVar variation 2112592 (VCV002112592.4), dbSNP rs2522692474, ClinGen allele CA338049945.
Genomic context (GRCh38, chr1:5,865,110, plus strand): 5'-CTCCAGGCTGGGGTTGGGGAGAGGCTCAGAACAGCCCCCAGAGAGGCCGTACCTTCAGCT[C>T]CTGGGGATGAGAGGTGAAAGCTCTCACTTTCCTCACTGTCTGTGTCCCCCGAAGGACAAG-3'
Protein context (NP_055917.1, residues 1260-1280): KVRAFTSHPQ[Glu1270Lys]LKTDPKGVFV